The following is an entry in ClinVar:

ClinVar aggregate classification (germline): Likely pathogenic. Review status: criteria provided, single submitter (1 of 4 stars). 2 submissions from 2 submitters: Likely pathogenic (1). 1 of the submissions does not count toward it. Last evaluated 2022-01-03.

Conditions:
Glaucoma 3, primary congenital, E (GLC3E). Identifiers: MedGen C4310639, MONDO:0014998, OMIM 617272.

Submissions (2):

3billion
Classification: Likely pathogenic for Glaucoma 3, primary congenital, E. Last evaluated: 2022-01-03. Review status: criteria provided, single submitter. Criteria: ACMG Guidelines, 2015. Collection method: clinical testing. Allele origin: germline. Affected: yes. Observed: 1 heterozygote.
Comment: Frameshift: predicted to result in a loss or disruption of normal protein function through nonsense-mediated decay (NMD) or protein truncation. Multiple pathogenic variants are reported downstream of the variant (PVS1_VS). It is not observed in the gnomAD v2.1.1 dataset (PM2_M). Therefore, this variant is classified as likely pathogenic according to the recommendation of ACMG/AMP guideline.

Ophthalmo-Genetics Lab, Instituto de Oftalmologia Conde de Valenciana
Classification: Pathogenic for Glaucoma 3, primary congenital, E. Review status: no assertion criteria provided. Collection method: research. Allele origin: germline. Inheritance: Sporadic. Affected: yes. Observed: 1 heterozygote. Not counted in ClinVar's aggregate classification.

Literature cited by the submitters: DOI 10.3389/fgene.2021.764509 (cited by Ophthalmo-Genetics Lab, Instituto de Oftalmologia Conde de Valenciana).

NM_000459.5(TEK):c.470_471insTGGT (p.Lys157fs)

Gene: TEK (TEK receptor tyrosine kinase; plus strand). Cytogenetic location: 9p21.2.
Variant type: Insertion.
Coding change: c.470_471insTGGT on transcript NM_000459.5 (MANE Select); coding-DNA positions 470 to 471, TGGT inserted.
Protein change: p.Lys157fs; shifts the reading frame from lysine 157.
Molecular consequence: frameshift variant.
Genome position: GRCh38 VCF-style: chr9-27168600-A-ATGGT. GRCh37 (hg19) VCF-style: chr9-27168598-A-ATGGT.
Other names: c.470_471insTGGT, p.Lys157Asnfs (NM_001290077.2); c.158_159insTGGT, p.Lys53Asnfs (NM_001290078.2); c.470_471insTGGT, p.Lys157fs (NM_001375475.1, NM_001375476.1); short protein forms K157fs, K53fs.
Identifiers: ClinVar variation 1333408 (VCV001333408.3), dbSNP rs2131141182, ClinGen allele CA2573053168.